The following is an entry in ClinVar:

ClinVar aggregate classification (germline): Uncertain significance. Review status: criteria provided, multiple submitters, no conflicts (2 of 4 stars). 3 submissions from 3 submitters: Uncertain significance (3). Last evaluated 2025-11-23.

Conditions:
Inborn genetic diseases. Identifiers: MedGen C0950123, MeSH D030342.
RTEL1-related disorder. Also called: RTEL1-related condition; RTEL1-related disorders.
Dyskeratosis congenita, autosomal recessive 5 (DKCB5). Identifiers: MedGen C3554656, MONDO:0014076, OMIM 615190.
Pulmonary fibrosis and/or bone marrow failure, Telomere-related, 3. Also called: PULMONARY FIBROSIS AND/OR BONE MARROW FAILURE SYNDROME, TELOMERE-RELATED, 3. Identifiers: Orphanet 2032, MedGen C4225346, MONDO:0014613, OMIM 616373.

Allele frequency attached by ClinVar (database versions not stated): gnomAD 0.00001; TOPMed 0.00002.
gnomAD v4.1: 6 of 1,612,450 alleles (0.00037%); highest among the groups gnomAD compares: Admixed American, 0.005%; no homozygotes.

Submissions (3):

Ambry Genetics
Classification: Uncertain significance for Inborn genetic diseases. Last evaluated: 2025-11-23. Review status: criteria provided, single submitter. Criteria: Ambry Variant Classification Scheme 2023. Collection method: clinical testing. Allele origin: germline.

Labcorp Genetics (formerly Invitae), Labcorp
Classification: Uncertain significance for Dyskeratosis congenita, autosomal recessive 5; Pulmonary fibrosis and/or bone marrow failure, Telomere-related, 3. Last evaluated: 2024-07-06. Review status: criteria provided, single submitter. Criteria: Invitae Variant Classification Sherloc (09022015). Collection method: clinical testing. Allele origin: germline.
Comment: This sequence change replaces lysine, which is basic and polar, with glutamic acid, which is acidic and polar, at codon 944 of the RTEL1 protein (p.Lys944Glu). This variant is present in population databases (no rsID available, gnomAD 0.006%). This variant has not been reported in the literature in individuals affected with RTEL1-related conditions. ClinVar contains an entry for this variant (Variation ID: 2085457). Algorithms developed to predict the effect of missense changes on protein structure and function output the following: SIFT: "Not Available"; PolyPhen-2: "Benign"; Align-GVGD: "Not Available". The glutamic acid amino acid residue is found in multiple mammalian species, which suggests that this missense change does not adversely affect protein function. In summary, the available evidence is currently insufficient to determine the role of this variant in disease. Therefore, it has been classified as a Variant of Uncertain Significance.

PreventionGenetics, part of Exact Sciences
Classification: Uncertain significance for RTEL1-related condition. Last evaluated: 2023-09-28. Review status: criteria provided, single submitter. Criteria: ACMG Guidelines, 2015. Collection method: clinical testing. Allele origin: germline.
Comment: The RTEL1 c.2902A>G variant is predicted to result in the amino acid substitution p.Lys968Glu. To our knowledge, this variant has not been reported in the literature. This variant is reported in 0.0057% of alleles in individuals of Latino descent in gnomAD. At this time, the clinical significance of this variant is uncertain due to the absence of conclusive functional and genetic evidence.

NM_001283009.2(RTEL1):c.2830A>G (p.Lys944Glu)

Genes: RTEL1-TNFRSF6B (RTEL1-TNFRSF6B readthrough (NMD candidate); plus strand), RTEL1 (regulator of telomere elongation helicase 1; plus strand). Cytogenetic location: 20q13.33.
Variant type: single nucleotide variant.
Coding change: c.2830A>G on transcript NM_001283009.2 (MANE Select); coding-DNA position 2830, A replaced by G.
Protein change: p.Lys944Glu; replaces lysine 944 with glutamic acid.
Molecular consequence: missense variant. On other transcripts: non-coding transcript variant (1).
Genome position (GRCh38, 1-based): chr20:63,692,982, A>G. VCF-style: chr20-63692982-A-G. GRCh37 (hg19) VCF-style: chr20-62324335-A-G.
Other names: c.2161A>G, p.Lys721Glu (NM_001283010.1); c.2830A>G, p.Lys944Glu (NM_016434.4); c.2902A>G, p.Lys968Glu (NM_032957.5); short protein forms K721E, K968E, K944E.
Identifiers: ClinVar variation 2085457 (VCV002085457.5), dbSNP rs903729017, ClinGen allele CA317520992.